The following is an entry in ClinVar:

ClinVar aggregate classification (germline): Likely benign (0 of 4 stars; one submission).

Conditions:
TLL1-related disorder. Also called: TLL1-related condition.

gnomAD v4.1: 105 of 1,612,746 alleles (0.0065%); highest among the groups gnomAD compares: Admixed American, 0.018%; 1 homozygote.

Submission:

PreventionGenetics, part of Exact Sciences
Classification: Likely benign for TLL1-related condition. Last evaluated: 2024-05-25. Review status: no assertion criteria provided. Collection method: clinical testing. Allele origin: germline.
Comment: This variant is classified as likely benign based on ACMG/AMP sequence variant interpretation guidelines (Richards et al. 2015 PMID: 25741868, with internal and published modifications).

NM_012464.5(TLL1):c.245C>T (p.Thr82Met)

Gene: TLL1 (tolloid like 1; plus strand). Cytogenetic location: 4q32.3.
Variant type: single nucleotide variant.
Coding change: c.245C>T on transcript NM_012464.5 (MANE Select); coding-DNA position 245, C replaced by T.
Protein change: p.Thr82Met; replaces threonine 82 with methionine.
Molecular consequence: missense variant.
Genome position (GRCh38, 1-based): chr4:165,989,456, C>T. VCF-style: chr4-165989456-C-T. GRCh37 (hg19) VCF-style: chr4-166910608-C-T.
Other names: c.245C>T, p.Thr82Met (NM_001204760.2); short protein forms T82M.
Identifiers: ClinVar variation 3352384 (VCV003352384.1).